The following is an entry in ClinVar:

NM_000540.3(RYR1):c.7073T>A (p.Ile2358Asn)

Gene: RYR1 (ryanodine receptor 1; plus strand). Cytogenetic location: 19q13.2.
Variant type: single nucleotide variant.
Coding change: c.7073T>A on transcript NM_000540.3 (MANE Select); coding-DNA position 7073, T replaced by A.
Protein change: p.Ile2358Asn; replaces isoleucine 2358 with asparagine.
Molecular consequence: missense variant.
Genome position (GRCh38, 1-based): chr19:38,499,680, T>A. VCF-style: chr19-38499680-T-A. GRCh37 (hg19) VCF-style: chr19-38990320-T-A.
Other names: NM_000540.3(RYR1):c.7073T>A; p.Ile2358Asn; c.7073T>A, p.Ile2358Asn (NM_001042723.2); short protein forms I2358N.
Identifiers: ClinVar variation 803553 (VCV000803553.4), dbSNP rs1600820232, ClinGen allele CA405667924.

ClinVar aggregate classification (germline): Uncertain significance. Review status: reviewed by expert panel (3 of 4 stars). 2 submissions from 2 submitters: Uncertain significance (1). 1 of the submissions does not count toward it. Last evaluated 2025-08-01.

Conditions:
Malignant hyperthermia, susceptibility to, 1 (MHS1). Also called: Malignant hyperthermia suceptibility 1; Anesthesia related hyperthermia; Malignant hyperpyrexia; Fulminating hyperpyrexia; Pharmacogenic myopathy; RYR1-Related Malignant Hyperthermia Susceptibility. Identifiers: Orphanet 423, MedGen C2930980, MONDO:0007783, OMIM 145600.

Submissions (2):

ClinGen Malignant Hyperthermia Susceptibility Variant Curation Expert Panel, ClinGen
Classification: Uncertain significance for Malignant hyperthermia, susceptibility to, 1. Last evaluated: 2025-08-01. Review status: reviewed by expert panel. Criteria: ClinGen MHS ACMG Specifications V2. Collection method: curation. Allele origin: germline. Inheritance: Autosomal dominant inheritance. Study: ClinGen.
Comment: This pathogenicity assessment is relevant only for malignant hyperthermia susceptibility (MHS) inherited in an autosomal dominant pattern. Variants in RYR1 can also cause other myopathies inherited in an autosomal dominant pattern or in an autosomal recessive pattern. Some of these disorders may predispose individuals to malignant hyperthermia. RYR1 variants may also contribute to a malignant hyperthermia reaction in combination with other genetic and non-genetic factors and the clinician needs to consider such factors in making management decisions. This sequence variant predicts a substitution of Isoleucine with Asparagine at codon 2358 of the RYR1 protein, p.(Ile2358Asn). This variant is not present in a large population database (gnomAD) at the time this variant was interpreted. This variant has an entry in ClinVar but no reports could be identified in the literature of an association with MH. No functional studies were identified for this variant. This variant resides in a region of RYR1 considered to be a hotspot for pathogenic variants that contribute to MHS, PM1 (PMID: 21118704). A REVEL score >0.85 (0.867) supports a pathogenic status for this variant, PP3_Moderate. This variant has been classified as a Variant of Unknown Significance. Criteria implemented: PM1, PP3_Moderate.

Mendelics
Classification: Uncertain significance for Malignant hyperthermia, susceptibility to, 1. Last evaluated: 2023-04-21. Review status: criteria provided, single submitter. Criteria: Mendelics Assertion Criteria 2017. Collection method: clinical testing. Allele origin: unknown. Not counted in ClinVar's aggregate classification.